The following is an entry in ClinVar:

NM_001709.5(BDNF):c.259G>A (p.Ala87Thr)

Genes: BDNF (brain derived neurotrophic factor; minus strand), BDNF-AS (BDNF antisense RNA; plus strand). Cytogenetic location: 11p14.1.
Variant type: single nucleotide variant.
Coding change: c.259G>A on transcript NM_001709.5 (MANE Select); coding-DNA position 259, G replaced by A.
Protein change: p.Ala87Thr; replaces alanine 87 with threonine.
Molecular consequence: missense variant. On other transcripts: non-coding transcript variant (5).
Genome position (GRCh38, 1-based): chr11:27,658,306, C>T on the plus strand (G>A on the coding strand, the complement: BDNF is on the minus strand). VCF-style: chr11-27658306-C-T. GRCh37 (hg19) VCF-style: chr11-27679853-C-T.
Other names: c.259G>A, p.Ala87Thr (NM_001143805.1, NM_001143806.1, NM_001143807.2 and 9 more transcripts); c.346G>A, p.Ala116Thr (NM_001143809.2); c.505G>A, p.Ala169Thr (NM_001143810.2); c.283G>A, p.Ala95Thr (NM_170731.5); c.304G>A, p.Ala102Thr (NM_170734.4); short protein forms A116T, A95T, A102T, A87T, A169T.
Identifiers: ClinVar variation 4986915 (VCV004986915.1).
Genomic context (GRCh38, chr11:27,658,306, plus strand): 5'-GAAGAGGAGGCTCCAAAGGCACTTGACTACTGAGCATCACCCTGGACGTGTACAAGTCTG[C>T]GTCCTTATTGTTTTCTTCATTGGGCCGAACTTTCTGGTCCTCATCCAACAGCTCTTCTAT-3'
Protein context (NP_001700.2, residues 77-97): VRPNEENNKD[Ala87Thr]DLYTSRVMLS

ClinVar aggregate classification (germline): Uncertain significance (1 of 4 stars; one submission).

Conditions:
BDNF-related disorder. Also called: BDNF-related condition.

gnomAD v4.1: 4 of 1,613,990 alleles (0.00025%); highest among the groups gnomAD compares: Admixed American, 0.0017%; no homozygotes.

Submission:

PreventionGenetics, part of Exact Sciences
Classification: Uncertain significance for BDNF-related condition. Last evaluated: 2026-09-15. Review status: criteria provided, single submitter. Criteria: ACMG Guidelines, 2015. Collection method: clinical testing. Allele origin: germline.
Comment: The BDNF c.505G>A variant is predicted to result in the amino acid substitution p.Ala169Thr. To our knowledge, this variant has not been reported in the literature. This variant is reported in 0.011% of alleles in individuals of African descent in gnomAD. At this time, the clinical significance of this variant is uncertain due to the absence of conclusive functional and genetic evidence.